The following is an entry in ClinVar:

ClinVar aggregate classification (germline): Uncertain significance (1 of 4 stars; one submission).

Conditions:
Catecholaminergic polymorphic ventricular tachycardia 1. Also called: RYR2-Related Catecholaminergic Polymorphic Ventricular Tachycardia; VENTRICULAR TACHYCARDIA, CATECHOLAMINERGIC POLYMORPHIC, 1, WITH OR WITHOUT ATRIAL DYSFUNCTION AND/OR DILATED CARDIOMYOPATHY; VENTRICULAR TACHYCARDIA, STRESS-INDUCED POLYMORPHIC 1. Identifiers: Orphanet 3286, MedGen C1631597, MONDO:0011484, OMIM 604772.

Submission:

Labcorp Genetics (formerly Invitae), Labcorp
Classification: Uncertain significance for Catecholaminergic polymorphic ventricular tachycardia 1. Last evaluated: 2022-02-20. Review status: criteria provided, single submitter. Criteria: Invitae Variant Classification Sherloc (09022015). Collection method: clinical testing. Allele origin: germline.
Comment: This sequence change replaces lysine, which is basic and polar, with isoleucine, which is neutral and non-polar, at codon 2619 of the RYR2 protein (p.Lys2619Ile). This variant is not present in population databases (gnomAD no frequency). This variant has not been reported in the literature in individuals affected with RYR2-related conditions. Advanced modeling of protein sequence and biophysical properties (such as structural, functional, and spatial information, amino acid conservation, physicochemical variation, residue mobility, and thermodynamic stability) performed at Invitae indicates that this missense variant is expected to disrupt RYR2 protein function. In summary, the available evidence is currently insufficient to determine the role of this variant in disease. Therefore, it has been classified as a Variant of Uncertain Significance.

NM_001035.3(RYR2):c.7856A>T (p.Lys2619Ile)

Gene: RYR2 (ryanodine receptor 2; plus strand). Cytogenetic location: 1q43.
Variant type: single nucleotide variant.
Coding change: c.7856A>T on transcript NM_001035.3 (MANE Select); coding-DNA position 7856, A replaced by T.
Protein change: p.Lys2619Ile; replaces lysine 2619 with isoleucine.
Molecular consequence: missense variant.
Genome position (GRCh38, 1-based): chr1:237,654,305, A>T. VCF-style: chr1-237654305-A-T. GRCh37 (hg19) VCF-style: chr1-237817605-A-T.
Other names: short protein forms K2619I.
Identifiers: ClinVar variation 1384942 (VCV001384942.9), dbSNP rs2148817475, ClinGen allele CA345400184.